The following is an entry in ClinVar:

NM_000540.3(RYR1):c.14558C>A (p.Thr4853Asn)

Gene: RYR1 (ryanodine receptor 1; plus strand). Cytogenetic location: 19q13.2.
Variant type: single nucleotide variant.
Coding change: c.14558C>A on transcript NM_000540.3 (MANE Select); coding-DNA position 14558, C replaced by A.
Protein change: p.Thr4853Asn; replaces threonine 4853 with asparagine.
Molecular consequence: missense variant.
Genome position (GRCh38, 1-based): chr19:38,580,416, C>A. VCF-style: chr19-38580416-C-A. GRCh37 (hg19) VCF-style: chr19-39071056-C-A.
Other names: c.14543C>A, p.Thr4848Asn (NM_001042723.2); short protein forms T4848N, T4853N.
Identifiers: ClinVar variation 2001954 (VCV002001954.4), dbSNP rs1555803922, ClinGen allele CA405687695.

ClinVar aggregate classification (germline): Pathogenic (1 of 4 stars; one submission).

Conditions:
RYR1-related disorder. Also called: RYR1-related condition; RYR1-related disorders. Identifiers: MedGen CN239331.

Submission:

Labcorp Genetics (formerly Invitae), Labcorp
Classification: Pathogenic for RYR1-related disorder. Last evaluated: 2023-11-15. Review status: criteria provided, single submitter. Criteria: Invitae Variant Classification Sherloc (09022015). Collection method: clinical testing. Allele origin: germline.
Comment: This sequence change replaces threonine, which is neutral and polar, with asparagine, which is neutral and polar, at codon 4853 of the RYR1 protein (p.Thr4853Asn). This variant is not present in population databases (gnomAD no frequency). This missense change has been observed in individual(s) with clinical features of autosomal dominant congenital myopathy (Invitae). In at least one individual the variant was observed to be de novo. ClinVar contains an entry for this variant (Variation ID: 2001954). Advanced modeling of protein sequence and biophysical properties (such as structural, functional, and spatial information, amino acid conservation, physicochemical variation, residue mobility, and thermodynamic stability) performed at Invitae indicates that this missense variant is expected to disrupt RYR1 protein function with a positive predictive value of 95%. This variant disrupts the p.Thr4853 amino acid residue in RYR1. Other variant(s) that disrupt this residue have been determined to be pathogenic (PMID: 16244682, 23394784; Invitae). This suggests that this residue is clinically significant, and that variants that disrupt this residue are likely to be disease-causing. For these reasons, this variant has been classified as Pathogenic.

Literature cited by the submitters: PubMed 16244682; PubMed 23394784.